The following is an entry in ClinVar:

ClinVar aggregate classification (germline): Uncertain significance (1 of 4 stars; one submission).

Conditions:
Idiopathic generalized epilepsy. Also called: Generalised epilepsy; EIG. Identifiers: MedGen C0270850, MONDO:0005579, OMIM 600669.

Allele frequency attached by ClinVar (database versions not stated): TOPMed below 0.00001.

Submission:

Labcorp Genetics (formerly Invitae), Labcorp
Classification: Uncertain significance for Idiopathic generalized epilepsy. Last evaluated: 2022-06-17. Review status: criteria provided, single submitter. Criteria: Invitae Variant Classification Sherloc (09022015). Collection method: clinical testing. Allele origin: germline.
Comment: Algorithms developed to predict the effect of missense changes on protein structure and function are either unavailable or do not agree on the potential impact of this missense change (SIFT: "Deleterious"; PolyPhen-2: "Probably Damaging"; Align-GVGD: "Class C0"). In summary, the available evidence is currently insufficient to determine the role of this variant in disease. Therefore, it has been classified as a Variant of Uncertain Significance. This variant has not been reported in the literature in individuals affected with RBFOX3-related conditions. This variant is not present in population databases (gnomAD no frequency). This sequence change replaces leucine, which is neutral and non-polar, with phenylalanine, which is neutral and non-polar, at codon 126 of the RBFOX3 protein (p.Leu126Phe).

NM_001350451.2(RBFOX3):c.378A>C (p.Leu126Phe)

Gene: RBFOX3 (RNA binding fox-1 homolog 3; minus strand). Cytogenetic location: 17q25.3.
Variant type: single nucleotide variant.
Coding change: c.378A>C on transcript NM_001350451.2 (MANE Select); coding-DNA position 378, A replaced by C.
Protein change: p.Leu126Phe; replaces leucine 126 with phenylalanine.
Molecular consequence: missense variant. On other transcripts: intron variant (1).
Genome position (GRCh38, 1-based): chr17:79,104,109, T>G on the plus strand (A>C on the coding strand, the complement: RBFOX3 is on the minus strand). VCF-style: chr17-79104109-T-G. GRCh37 (hg19) VCF-style: chr17-77100191-T-G.
Other names: c.378A>C, p.Leu126Phe (NM_001082575.3, NM_001350453.2, NM_001385804.1 and 35 more transcripts); c.375A>C, p.Leu125Phe (NM_001385806.1, NM_001385822.1, NM_001385843.1 and 4 more transcripts); c.361-2465A>C (NM_001385847.1); short protein forms L125F, L126F.
Identifiers: ClinVar variation 2007541 (VCV002007541.4), dbSNP rs2076942759, ClinGen allele CA401317336.